The following is an entry in ClinVar:

NM_020461.4(TUBGCP6):c.4301G>A (p.Ser1434Asn)

Gene: TUBGCP6 (tubulin gamma complex component 6; minus strand). Cytogenetic location: 22q13.33.
Variant type: single nucleotide variant.
Coding change: c.4301G>A on transcript NM_020461.4 (MANE Select); coding-DNA position 4301, G replaced by A.
Protein change: p.Ser1434Asn; replaces serine 1434 with asparagine.
Molecular consequence: missense variant.
Genome position (GRCh38, 1-based): chr22:50,219,658, C>T on the plus strand (G>A on the coding strand, the complement: TUBGCP6 is on the minus strand). VCF-style: chr22-50219658-C-T. GRCh37 (hg19) VCF-style: chr22-50658087-C-T.
Other names: short protein forms S1434N.
Identifiers: ClinVar variation 2086722 (VCV002086722.4), dbSNP rs1008113369, ClinGen allele CA325510956.

ClinVar aggregate classification (germline): Uncertain significance (1 of 4 stars; one submission).

Allele frequency attached by ClinVar (database versions not stated): TOPMed below 0.00001.

Submission:

Labcorp Genetics (formerly Invitae), Labcorp
Classification: Uncertain significance. Last evaluated: 2022-01-17. Review status: criteria provided, single submitter. Criteria: Invitae Variant Classification Sherloc (09022015). Collection method: clinical testing. Allele origin: germline.
Comment: This sequence change replaces serine, which is neutral and polar, with asparagine, which is neutral and polar, at codon 1434 of the TUBGCP6 protein (p.Ser1434Asn). In summary, the available evidence is currently insufficient to determine the role of this variant in disease. Therefore, it has been classified as a Variant of Uncertain Significance. Algorithms developed to predict the effect of missense changes on protein structure and function output the following: SIFT: "Tolerated"; PolyPhen-2: "Benign"; Align-GVGD: "Class C0". The asparagine amino acid residue is found in multiple mammalian species, which suggests that this missense change does not adversely affect protein function. This variant has not been reported in the literature in individuals affected with TUBGCP6-related conditions. This variant is not present in population databases (gnomAD no frequency).